The following is an entry in ClinVar:

ClinVar aggregate classification (germline): Uncertain significance (0 of 4 stars; one submission).

Submission:

Richard Lifton Laboratory, Yale University School of Medicine
Classification: Uncertain significance. Review status: no assertion criteria provided. Collection method: not provided. Allele origin: somatic.
Comment: L3MBTL3
ClinVar note: Converted during submission from unknown to Uncertain significance.

NM_032438.4(L3MBTL3):c.1525T>C (p.Phe509Leu)

Gene: L3MBTL3 (L3MBTL histone methyl-lysine binding protein 3; plus strand). Cytogenetic location: 6q23.1.
Variant type: single nucleotide variant.
Coding change: c.1525T>C on transcript NM_032438.4 (MANE Select); coding-DNA position 1525, T replaced by C.
Protein change: p.Phe509Leu; replaces phenylalanine 509 with leucine.
Molecular consequence: missense variant.
Genome position (GRCh38, 1-based): chr6:130,092,751, T>C. VCF-style: chr6-130092751-T-C. GRCh37 (hg19) VCF-style: chr6-130413896-T-C.
Other names: c.1450T>C, p.Phe484Leu (NM_001007102.4, NM_001346550.2, NM_001346551.2); short protein forms F509L, F484L.
Identifiers: ClinVar variation 92018 (VCV000092018.2), dbSNP rs386352323, ClinGen allele CA232360.